The following is an entry in ClinVar:

NM_020937.4(FANCM):c.4531T>G (p.Phe1511Val)

Gene: FANCM (FA complementation group M; plus strand). Cytogenetic location: 14q21.2.
Variant type: single nucleotide variant.
Coding change: c.4531T>G on transcript NM_020937.4 (MANE Select); coding-DNA position 4531, T replaced by G.
Protein change: p.Phe1511Val; replaces phenylalanine 1511 with valine.
Molecular consequence: missense variant.
Genome position (GRCh38, 1-based): chr14:45,185,232, T>G. VCF-style: chr14-45185232-T-G. GRCh37 (hg19) VCF-style: chr14-45654435-T-G.
Other names: c.4453T>G, p.Phe1485Val (NM_001308133.2); short protein forms F1485V, F1511V.
Identifiers: ClinVar variation 4022713 (VCV004022713.1).

ClinVar aggregate classification (germline): Uncertain significance (1 of 4 stars; one submission).

Conditions:
Inborn genetic diseases. Identifiers: MedGen C0950123, MeSH D030342.

Submission:

Ambry Genetics
Classification: Uncertain significance for Inborn genetic diseases. Last evaluated: 2025-04-19. Review status: criteria provided, single submitter. Criteria: Ambry Variant Classification Scheme 2023. Collection method: clinical testing. Allele origin: germline.
Comment: The p.F1511V variant (also known as c.4531T>G), located in coding exon 18 of the FANCM gene, results from a T to G substitution at nucleotide position 4531. The phenylalanine at codon 1511 is replaced by valine, an amino acid with highly similar properties. This amino acid position is conserved. In addition, the in silico prediction for this alteration is inconclusive. Based on the available evidence, the clinical significance of this variant remains unclear.